The following is an entry in ClinVar:

NM_001844.5(COL2A1):c.3341C>T (p.Pro1114Leu)

Gene: COL2A1 (collagen type II alpha 1 chain; minus strand). Cytogenetic location: 12q13.11.
Variant type: single nucleotide variant.
Coding change: c.3341C>T on transcript NM_001844.5 (MANE Select); coding-DNA position 3341, C replaced by T.
Protein change: p.Pro1114Leu; replaces proline 1114 with leucine.
Molecular consequence: missense variant.
Genome position (GRCh38, 1-based): chr12:47,976,906, G>A on the plus strand (C>T on the coding strand, the complement: COL2A1 is on the minus strand). VCF-style: chr12-47976906-G-A. GRCh37 (hg19) VCF-style: chr12-48370689-G-A.
Other names: c.3134C>T, p.Pro1045Leu (NM_033150.3); short protein forms P1045L, P1114L.
Identifiers: ClinVar variation 2863577 (VCV002863577.3), dbSNP rs2540105971, ClinGen allele CA384539144.
Genomic context (GRCh38, chr12:47,976,906, plus strand): 5'-CCACGGTGTCCCTTCAGGCCTCTCTCGCCAGGCTCTCCAGCCTCTCCTTTGTCACCTCTG[G>A]GGCCTTGAGGACCCTGGGAACAAGACAGACACCGATTGAGTCAGGTCAGGGCCAGGACAG-3'
Protein context (NP_001835.3, residues 1104-1124): GARGIQGPQG[Pro1114Leu]RGDKGEAGEP

ClinVar aggregate classification (germline): Uncertain significance (1 of 4 stars; one submission).

Submission:

Labcorp Genetics (formerly Invitae), Labcorp
Classification: Uncertain significance. Last evaluated: 2023-05-12. Review status: criteria provided, single submitter. Criteria: Invitae Variant Classification Sherloc (09022015). Collection method: clinical testing. Allele origin: germline.
Comment: Advanced modeling of protein sequence and biophysical properties (such as structural, functional, and spatial information, amino acid conservation, physicochemical variation, residue mobility, and thermodynamic stability) performed at Invitae indicates that this missense variant is not expected to disrupt COL2A1 protein function. This variant has not been reported in the literature in individuals affected with COL2A1-related conditions. This variant is not present in population databases (gnomAD no frequency). This sequence change replaces proline, which is neutral and non-polar, with leucine, which is neutral and non-polar, at codon 1114 of the COL2A1 protein (p.Pro1114Leu). In summary, the available evidence is currently insufficient to determine the role of this variant in disease. Therefore, it has been classified as a Variant of Uncertain Significance.